The following is an entry in ClinVar:

ClinVar aggregate classification (germline): Uncertain significance. Review status: criteria provided, multiple submitters, no conflicts (2 of 4 stars). 3 submissions from 3 submitters: Uncertain significance (3). Last evaluated 2022-04-24.

Conditions:
Hypertrophic cardiomyopathy 1 (CMH1). Also called: MYH7-Related Familial Hypertrophic Cardiomyopathy; Familial hypertrophic cardiomyopathy 1. Identifiers: MedGen C3495498, MONDO:0008647, OMIM 192600.
Sick sinus syndrome 3, susceptibility to (SSS3). Identifiers: Orphanet 166282, MedGen C3279791, MONDO:0013568, OMIM 614090.
Atrial septal defect 3 (ASD3). Identifiers: Orphanet 1478, MedGen C3279790, MONDO:0013567, OMIM 614089.
Dilated cardiomyopathy 1EE (CMD1EE). Identifiers: Orphanet 154, MedGen C2750466, MONDO:0013198, OMIM 613252.
Hypertrophic cardiomyopathy 14. Identifiers: MedGen C2750467, MONDO:0013197, OMIM 613251.

Allele frequency attached by ClinVar (database versions not stated): gnomAD exomes below 0.00001; TOPMed below 0.00001.
gnomAD v4.1: 7 of 1,614,186 alleles (0.00043%); highest among the groups gnomAD compares: Non-Finnish European, 0.00051%; no homozygotes.

Submissions (3):

Labcorp Genetics (formerly Invitae), Labcorp
Classification: Uncertain significance for Hypertrophic cardiomyopathy 14. Last evaluated: 2022-04-24. Review status: criteria provided, single submitter. Criteria: Invitae Variant Classification Sherloc (09022015). Collection method: clinical testing. Allele origin: germline.
Comment: This variant is not present in population databases (gnomAD no frequency). This sequence change replaces tyrosine, which is neutral and polar, with histidine, which is basic and polar, at codon 109 of the MYH6 protein (p.Tyr109His). This variant has not been reported in the literature in individuals affected with MYH6-related conditions. In summary, the available evidence is currently insufficient to determine the role of this variant in disease. Therefore, it has been classified as a Variant of Uncertain Significance. Algorithms developed to predict the effect of missense changes on protein structure and function are either unavailable or do not agree on the potential impact of this missense change (SIFT: "Deleterious"; PolyPhen-2: "Probably Damaging"; Align-GVGD: "Class C0").

AiLife Diagnostics
Classification: Uncertain significance. Last evaluated: 2021-12-03. Review status: criteria provided, single submitter. Criteria: ACMG Guidelines, 2015. Collection method: clinical testing. Allele origin: germline. Affected: yes. Observed: 3 variant alleles.

Fulgent Genetics
Classification: Uncertain significance for Hypertrophic cardiomyopathy 1; Hypertrophic cardiomyopathy 14; Dilated cardiomyopathy 1EE; Atrial septal defect 3; Sick sinus syndrome 3, susceptibility to. Last evaluated: 2021-09-03. Review status: criteria provided, single submitter. Criteria: ACMG Guidelines, 2015. Collection method: clinical testing. Allele origin: unknown.

NM_002471.4(MYH6):c.325T>C (p.Tyr109His)

Genes: MYH6 (myosin heavy chain 6; minus strand), LOC114827851 (VISTA enhancer hs2155; plus strand). Cytogenetic location: 14q11.2.
Variant type: single nucleotide variant.
Coding change: c.325T>C on transcript NM_002471.4 (MANE Select); coding-DNA position 325, T replaced by C.
Protein change: p.Tyr109His; replaces tyrosine 109 with histidine.
Molecular consequence: missense variant.
Genome position (GRCh38, 1-based): chr14:23,405,647, A>G on the plus strand (T>C on the coding strand, the complement: MYH6 is on the minus strand). VCF-style: chr14-23405647-A-G. GRCh37 (hg19) VCF-style: chr14-23874856-A-G.
Other names: short protein forms Y109H.
Identifiers: ClinVar variation 1677485 (VCV001677485.7), dbSNP rs926609805, ClinGen allele CA257799148.
Genomic context (GRCh38, chr14:23,405,647, plus strand): 5'-GCAGCACAGGAAGCCTCTGCAGTGTGCAGGAGCCACTCACATATATCATCCAGGCCGCGT[A>G]GCGCTCCTTGAGGTTGAAAAGCACCGCGGGCTCGTGCAGGAAGGTCAGCATGGCCATGTC-3'
Protein context (NP_002462.2, residues 99-119): PAVLFNLKER[Tyr109His]AAWMIYTYSG